The following is an entry in ClinVar:

ClinVar aggregate classification (germline): Uncertain significance. Review status: criteria provided, multiple submitters, no conflicts (2 of 4 stars). 4 submissions from 4 submitters: Uncertain significance (4). Last evaluated 2026-05-03.

Conditions:
KIT-related disorder. Also called: KIT-related condition.
Hereditary cancer-predisposing syndrome. Also called: Hereditary neoplastic syndrome; Hereditary Cancer Syndrome; Neoplastic Syndromes, Hereditary; Tumor predisposition. Identifiers: Orphanet 140162, MedGen C0027672, MeSH D009386, MONDO:0015356.
Gastrointestinal stromal tumor. Also called: Gastrointestinal stroma tumor; Gastrointestinal stromal tumor, somatic. Identifiers: Orphanet 44890, MedGen C0238198, MeSH D046152, MONDO:0011719, OMIM 606764, HP:0100723.

Allele frequency attached by ClinVar (database versions not stated): gnomAD exomes 0.00002; gnomAD 0.00003 and 0.00004; TOPMed 0.00003.
gnomAD v4.1: 21 of 1,613,700 alleles (0.0013%); highest among the groups gnomAD compares: African/African-American, 0.011%; no homozygotes.

Submissions (4):

PreventionGenetics, part of Exact Sciences
Classification: Uncertain significance for KIT-related condition. Last evaluated: 2026-05-03. Review status: criteria provided, single submitter. Criteria: ACMG Guidelines, 2015. Collection method: clinical testing. Allele origin: germline.
Comment: The KIT c.1879C>T variant is predicted to result in the amino acid substitution p.Pro627Ser. To our knowledge, this variant has not been reported in the literature. This variant is reported in 0.0098% of alleles in individuals of South Asian descent in gnomAD and is interpreted as uncertain in ClinVar (Variation ID: 528610). At this time, the clinical significance of this variant is uncertain due to the absence of conclusive functional and genetic evidence.

Labcorp Genetics (formerly Invitae), Labcorp
Classification: Uncertain significance for Gastrointestinal stromal tumor. Last evaluated: 2026-01-06. Review status: criteria provided, single submitter. Criteria: Invitae Variant Classification Sherloc (09022015). Collection method: clinical testing. Allele origin: germline.
Comment: This sequence change replaces proline, which is neutral and non-polar, with serine, which is neutral and polar, at codon 627 of the KIT protein (p.Pro627Ser). This variant is present in population databases (no rsID available, gnomAD 0.01%). This variant has not been reported in the literature in individuals affected with KIT-related conditions. ClinVar contains an entry for this variant (Variation ID: 528610). An algorithm developed to predict the effect of missense changes on protein structure and function (PolyPhen-2) suggests that this variant is likely to be disruptive. In summary, the available evidence is currently insufficient to determine the role of this variant in disease. Therefore, it has been classified as a Variant of Uncertain Significance.

Ambry Genetics
Classification: Uncertain significance for Hereditary cancer-predisposing syndrome. Last evaluated: 2024-04-25. Review status: criteria provided, single submitter. Criteria: Ambry Variant Classification Scheme 2023. Collection method: clinical testing. Allele origin: germline.
Comment: The p.P627S variant (also known as c.1879C>T), located in coding exon 12 of the KIT gene, results from a C to T substitution at nucleotide position 1879. The proline at codon 627 is replaced by serine, an amino acid with similar properties. However, this change occurs in the last base pair of coding exon 12 and may have some effect on normal mRNA splicing. This nucleotide position is well conserved in available vertebrate species. In silico splice site analysis for this alteration is inconclusive. This amino acid position is well conserved in available vertebrate species. In addition, as a missense substitution this is predicted to be tolerated by in silico analysis. However, loss of function of KIT has not been clearly established as a mechanism of disease. Based on the available evidence, the clinical significance of this variant remains unclear.

GeneDx
Classification: Uncertain significance. Last evaluated: 2022-09-15. Review status: criteria provided, single submitter. Criteria: GeneDx Variant Classification Process June 2021. Collection method: clinical testing. Allele origin: germline. Affected: yes.
Comment: In silico analysis supports that this missense variant has a deleterious effect on protein structure/function; Has not been previously published as pathogenic or benign to our knowledge

NM_000222.3(KIT):c.1879C>T (p.Pro627Ser)

Gene: KIT (KIT proto-oncogene, receptor tyrosine kinase; plus strand). Cytogenetic location: 4q12.
Variant type: single nucleotide variant.
Coding change: c.1879C>T on transcript NM_000222.3 (MANE Select); coding-DNA position 1879, C replaced by T.
Protein change: p.Pro627Ser; replaces proline 627 with serine.
Molecular consequence: missense variant.
Genome position (GRCh38, 1-based): chr4:54,727,927, C>T. VCF-style: chr4-54727927-C-T. GRCh37 (hg19) VCF-style: chr4-55594093-C-T.
Other names: c.1867C>T, p.Pro623Ser (NM_001093772.2, NM_001385286.1); c.1882C>T, p.Pro628Ser (NM_001385284.1, NM_001385290.1); c.1879C>T, p.Pro627Ser (NM_001385285.1); c.1870C>T, p.Pro624Ser (NM_001385288.1, NM_001385292.1); short protein forms P627S, P623S, P624S, P628S.
Identifiers: ClinVar variation 528610 (VCV000528610.14), dbSNP rs1032761406, ClinGen allele CA96876046.